The following is an entry in ClinVar:

NM_005045.4(RELN):c.6311G>A (p.Arg2104His)

Gene: RELN (reelin; minus strand). Cytogenetic location: 7q22.1.
Variant type: single nucleotide variant.
Coding change: c.6311G>A on transcript NM_005045.4 (MANE Select); coding-DNA position 6311, G replaced by A.
Protein change: p.Arg2104His; replaces arginine 2104 with histidine.
Molecular consequence: missense variant.
Genome position (GRCh38, 1-based): chr7:103,545,336, C>T on the plus strand (G>A on the coding strand, the complement: RELN is on the minus strand). VCF-style: chr7-103545336-C-T. GRCh37 (hg19) VCF-style: chr7-103185783-C-T.
Other names: c.6311G>A, p.Arg2104His (NM_173054.3); short protein forms R2104H.
Identifiers: ClinVar variation 810162 (VCV000810162.49), dbSNP rs750878959, ClinGen allele CA4420972.

ClinVar aggregate classification (germline): Uncertain significance. Review status: criteria provided, multiple submitters, no conflicts (2 of 4 stars). 2 submissions from 2 submitters: Uncertain significance (2). Last evaluated 2025-09-16.

Conditions:
Norman-Roberts syndrome (LIS2). Also called: Lissencephaly 2 (Norman-Roberts type). Identifiers: Orphanet 89844, MedGen C0796089, MONDO:0009760, OMIM 257320.
Familial temporal lobe epilepsy 7. Identifiers: Orphanet 101046, MedGen C4225327, MONDO:0014639, OMIM 616436.

Allele frequency attached by ClinVar (database versions not stated): gnomAD 0.00003 and 0.00002; TOPMed 0.00003; gnomAD exomes 0.00004; ExAC 0.00008.
gnomAD v4.1: 34 of 1,611,696 alleles (0.0021%); highest among the groups gnomAD compares: African/African-American, 0.008%; 1 homozygote.

Submissions (2):

Labcorp Genetics (formerly Invitae), Labcorp
Classification: Uncertain significance for Familial temporal lobe epilepsy 7; Norman-Roberts syndrome. Last evaluated: 2025-09-16. Review status: criteria provided, single submitter. Criteria: Invitae Variant Classification Sherloc (09022015). Collection method: clinical testing. Allele origin: germline.
Comment: This sequence change replaces arginine, which is basic and polar, with histidine, which is basic and polar, at codon 2104 of the RELN protein (p.Arg2104His). This variant is present in population databases (rs750878959, gnomAD 0.01%). This missense change has been observed in individual(s) with neurodevelopmental disorder (PMID: 33004838). ClinVar contains an entry for this variant (Variation ID: 810162). Invitae Evidence Modeling of protein sequence and biophysical properties (such as structural, functional, and spatial information, amino acid conservation, physicochemical variation, residue mobility, and thermodynamic stability) indicates that this missense variant is not expected to disrupt RELN protein function with a negative predictive value of 80%. In summary, the available evidence is currently insufficient to determine the role of this variant in disease. Therefore, it has been classified as a Variant of Uncertain Significance.

CeGaT Center for Human Genetics Tuebingen
Classification: Uncertain significance. Last evaluated: 2018-12-01. Review status: criteria provided, single submitter. Criteria: CeGaT Center For Human Genetics Tuebingen Variant Classification Criteria Version 2. Collection method: clinical testing. Allele origin: germline. Affected: yes. Observed: 1 variant allele.

Literature cited by the submitters: PubMed 33004838 (cited by Labcorp Genetics (formerly Invitae), Labcorp).